The following is an entry in ClinVar:

NM_152594.3(SPRED1):c.1199T>A (p.Phe400Tyr)

Gene: SPRED1 (sprouty related EVH1 domain containing 1; plus strand). Cytogenetic location: 15q14.
Variant type: single nucleotide variant.
Coding change: c.1199T>A on transcript NM_152594.3 (MANE Select); coding-DNA position 1199, T replaced by A.
Protein change: p.Phe400Tyr; replaces phenylalanine 400 with tyrosine.
Molecular consequence: missense variant.
Genome position (GRCh38, 1-based): chr15:38,351,528, T>A. VCF-style: chr15-38351528-T-A. GRCh37 (hg19) VCF-style: chr15-38643729-T-A.
Other names: c.1199T>A (NM_152594.2); short protein forms F400Y.
Identifiers: ClinVar variation 2194333 (VCV002194333.5), dbSNP rs2542744247, ClinGen allele CA391934523.

ClinVar aggregate classification (germline): Uncertain significance. Review status: criteria provided, multiple submitters, no conflicts (2 of 4 stars). 2 submissions from 2 submitters: Uncertain significance (2). Last evaluated 2025-12-01.

Conditions:
Cardiovascular phenotype. Identifiers: MedGen CN230736.
Legius syndrome. Identifiers: Orphanet 137605, MedGen C1969623, MONDO:0012669, OMIM 611431. Disease mechanism: loss of function.

Submissions (2):

Ambry Genetics
Classification: Uncertain significance for Cardiovascular phenotype. Last evaluated: 2025-12-01. Review status: criteria provided, single submitter. Criteria: Ambry Variant Classification Scheme 2023. Collection method: clinical testing. Allele origin: germline.
Comment: The p.F400Y variant (also known as c.1199T>A), located in coding exon 7 of the SPRED1 gene, results from a T to A substitution at nucleotide position 1199. The phenylalanine at codon 400 is replaced by tyrosine, an amino acid with highly similar properties. This amino acid position is conserved. In addition, the in silico prediction for this alteration is inconclusive. Based on the available evidence, the clinical significance of this variant remains unclear.

Labcorp Genetics (formerly Invitae), Labcorp
Classification: Uncertain significance for Legius syndrome. Last evaluated: 2025-04-13. Review status: criteria provided, single submitter. Criteria: Invitae Variant Classification Sherloc (09022015). Collection method: clinical testing. Allele origin: germline.
Comment: This sequence change replaces phenylalanine, which is neutral and non-polar, with tyrosine, which is neutral and polar, at codon 400 of the SPRED1 protein (p.Phe400Tyr). This variant is not present in population databases (gnomAD no frequency). This variant has not been reported in the literature in individuals affected with SPRED1-related conditions. ClinVar contains an entry for this variant (Variation ID: 2194333). Invitae Evidence Modeling of protein sequence and biophysical properties (such as structural, functional, and spatial information, amino acid conservation, physicochemical variation, residue mobility, and thermodynamic stability) has been performed for this missense variant. However, the output from this modeling did not meet the statistical confidence thresholds required to predict the impact of this variant on SPRED1 protein function. In summary, the available evidence is currently insufficient to determine the role of this variant in disease. Therefore, it has been classified as a Variant of Uncertain Significance.